The following is an entry in ClinVar:

NM_015100.4(POGZ):c.1483C>T (p.Arg495Ter)

Gene: POGZ (pogo transposable element derived with ZNF domain; minus strand). Cytogenetic location: 1q21.3.
Variant type: single nucleotide variant.
Coding change: c.1483C>T on transcript NM_015100.4 (MANE Select); coding-DNA position 1483, C replaced by T.
Protein change: p.Arg495Ter; replaces arginine 495 with a stop codon.
Molecular consequence: nonsense.
Genome position (GRCh38, 1-based): chr1:151,423,989, G>A on the plus strand (C>T on the coding strand, the complement: POGZ is on the minus strand). VCF-style: chr1-151423989-G-A. GRCh37 (hg19) VCF-style: chr1-151396465-G-A.
Other names: c.1456C>T, p.Arg486Ter (NM_001194937.2); c.1297C>T, p.Arg433Ter (NM_001194938.2); c.1504C>T, p.Arg502Ter (NM_001410860.1); c.1198C>T, p.Arg400Ter (NM_145796.4); c.1324C>T, p.Arg442Ter (NM_207171.2); short protein forms R400*, R433*, R442*, R486*, R495*, R502*.
Identifiers: ClinVar variation 3347154 (VCV003347154.2).

ClinVar aggregate classification (germline): Pathogenic. Review status: criteria provided, single submitter (1 of 4 stars). 2 submissions from 2 submitters: Pathogenic (1). 1 of the submissions does not count toward it. Last evaluated 2024-04-16.

Conditions:
POGZ-related disorder. Also called: POGZ-related condition.

Submissions (2):

GeneDx
Classification: Pathogenic. Last evaluated: 2024-04-16. Review status: criteria provided, single submitter. Criteria: GeneDx Variant Classification Process June 2021. Collection method: clinical testing. Allele origin: germline. Affected: yes.
Comment: Nonsense variant predicted to result in protein truncation or nonsense mediated decay in a gene for which loss of function is a known mechanism of disease; Not observed at significant frequency in large population cohorts (gnomAD); This variant is associated with the following publications: (PMID: 28263302, 31782611)

PreventionGenetics, part of Exact Sciences
Classification: Pathogenic for POGZ-related condition. Last evaluated: 2024-05-01. Review status: no assertion criteria provided. Collection method: clinical testing. Allele origin: germline. Not counted in ClinVar's aggregate classification.
Comment: The POGZ c.1483C>T variant is predicted to result in premature protein termination (p.Arg495*). This variant was reported in a large cohort of individuals with autism spectrum disorder (Table S5, Yuen et al. 2017. PubMed ID: 28263302) and was also reported as a de novo variant in a cohort of individuals with autism and/or intellectual disability (Assia Batzir et al. 2019. PubMed ID: 31782611). This variant has not been reported in a large population database, indicating this variant is rare. Nonsense variants in POGZ are expected to be pathogenic. This variant is interpreted as pathogenic.